The following is an entry in ClinVar:

NM_206933.4(USH2A):c.10192G>T (p.Glu3398Ter)

Gene: USH2A (usherin; minus strand). Cytogenetic location: 1q41.
Variant type: single nucleotide variant.
Coding change: c.10192G>T on transcript NM_206933.4 (MANE Select); coding-DNA position 10192, G replaced by T.
Protein change: p.Glu3398Ter; replaces glutamic acid 3398 with a stop codon.
Molecular consequence: nonsense.
Genome position (GRCh38, 1-based): chr1:215,786,865, C>A on the plus strand (G>T on the coding strand, the complement: USH2A is on the minus strand). VCF-style: chr1-215786865-C-A. GRCh37 (hg19) VCF-style: chr1-215960207-C-A.
Other names: short protein forms E3398*.
Identifiers: ClinVar variation 2018819 (VCV002018819.4), dbSNP rs2464408563, ClinGen allele CA344840720.

ClinVar aggregate classification (germline): Pathogenic (1 of 4 stars; one submission).

Submission:

Labcorp Genetics (formerly Invitae), Labcorp
Classification: Pathogenic. Last evaluated: 2022-11-10. Review status: criteria provided, single submitter. Criteria: Invitae Variant Classification Sherloc (09022015). Collection method: clinical testing. Allele origin: germline.
Comment: This sequence change creates a premature translational stop signal (p.Glu3398*) in the USH2A gene. It is expected to result in an absent or disrupted protein product. Loss-of-function variants in USH2A are known to be pathogenic (PMID: 10729113, 10909849, 20507924, 25649381). This variant is not present in population databases (gnomAD no frequency). This variant has not been reported in the literature in individuals affected with USH2A-related conditions. For these reasons, this variant has been classified as Pathogenic.

Literature cited by the submitters: PubMed 10729113; PubMed 10909849; PubMed 20507924; PubMed 25649381.